The following is an entry in ClinVar:

NM_000465.4(BARD1):c.799A>T (p.Thr267Ser)

Gene: BARD1 (BRCA1 associated RING domain 1; minus strand). Cytogenetic location: 2q35.
Variant type: single nucleotide variant.
Coding change: c.799A>T on transcript NM_000465.4 (MANE Select); coding-DNA position 799, A replaced by T.
Protein change: p.Thr267Ser; replaces threonine 267 with serine.
Molecular consequence: missense variant. On other transcripts: non-coding transcript variant (2), intron variant (3).
Genome position (GRCh38, 1-based): chr2:214,781,075, T>A on the plus strand (A>T on the coding strand, the complement: BARD1 is on the minus strand). VCF-style: chr2-214781075-T-A. GRCh37 (hg19) VCF-style: chr2-215645799-T-A.
Other names: c.742A>T, p.Thr248Ser (NM_001282543.2); c.158+28337A>T (NM_001282548.2); c.215+15986A>T (NM_001282545.2); c.364+11222A>T (NM_001282549.2); short protein forms T267S, T248S.
Identifiers: ClinVar variation 2010445 (VCV002010445.4), dbSNP rs2469508082, ClinGen allele CA350455627.

ClinVar aggregate classification (germline): Uncertain significance (1 of 4 stars; one submission).

Conditions:
Familial cancer of breast. Also called: hereditary breast carcinoma; BREAST CANCER, FAMILIAL; Hereditary breast cancer. Identifiers: Orphanet 227535, MedGen C0346153, MONDO:0016419, OMIM 114480. Disease mechanism: loss of function.

Submission:

Labcorp Genetics (formerly Invitae), Labcorp
Classification: Uncertain significance for Familial cancer of breast. Last evaluated: 2022-06-25. Review status: criteria provided, single submitter. Criteria: Invitae Variant Classification Sherloc (09022015). Collection method: clinical testing. Allele origin: germline.
Comment: In summary, the available evidence is currently insufficient to determine the role of this variant in disease. Therefore, it has been classified as a Variant of Uncertain Significance. Algorithms developed to predict the effect of missense changes on protein structure and function output the following: SIFT: "Tolerated"; PolyPhen-2: "Benign"; Align-GVGD: "Class C0". The serine amino acid residue is found in multiple mammalian species, which suggests that this missense change does not adversely affect protein function. This variant has not been reported in the literature in individuals affected with BARD1-related conditions. This variant is not present in population databases (gnomAD no frequency). This sequence change replaces threonine, which is neutral and polar, with serine, which is neutral and polar, at codon 267 of the BARD1 protein (p.Thr267Ser).